The following is an entry in ClinVar:

NM_000143.4(FH):c.1093A>G (p.Ser365Gly)

Gene: FH (fumarate hydratase; minus strand). Cytogenetic location: 1q43.
Variant type: single nucleotide variant.
Coding change: c.1093A>G on transcript NM_000143.4 (MANE Select); coding-DNA position 1093, A replaced by G.
Protein change: p.Ser365Gly; replaces serine 365 with glycine.
Molecular consequence: missense variant.
Genome position (GRCh38, 1-based): chr1:241,504,057, T>C on the plus strand (A>G on the coding strand, the complement: FH is on the minus strand). VCF-style: chr1-241504057-T-C. GRCh37 (hg19) VCF-style: chr1-241667357-T-C.
Other names: p.S365G:AGC>GGC; short protein forms S365G.
Identifiers: ClinVar variation 214374 (VCV000214374.22), dbSNP rs863223966, ClinGen allele CA320604.

ClinVar aggregate classification (germline): Pathogenic/Likely pathogenic. Review status: criteria provided, multiple submitters, no conflicts (2 of 4 stars). 6 submissions from 6 submitters: Pathogenic (5); Likely pathogenic (1). Last evaluated 2026-01-07.

Conditions:
Hereditary cancer-predisposing syndrome. Also called: Tumor predisposition; Hereditary Cancer Syndrome; Hereditary neoplastic syndrome; Neoplastic Syndromes, Hereditary. Identifiers: Orphanet 140162, MedGen C0027672, MeSH D009386, MONDO:0015356.
Hereditary leiomyomatosis and renal cell cancer. Also called: LEIOMYOMA, MULTIPLE CUTANEOUS; Reed syndrome; Multiple cutaneous and uterine leiomyomatosis; Cutaneous leiomyomata with uterine leiomyomata; Leiomyoma, hereditary multiple, of skin; Multiple cutaneous and uterine leiomyomata. Identifiers: Orphanet 523, MedGen C1708350, MONDO:0007888, OMIM 150800, HP:0007437. Disease mechanism: loss of function.

Allele frequency attached by ClinVar (database versions not stated): gnomAD exomes below 0.00001; TOPMed below 0.00001; gnomAD 0.00001.
gnomAD v4.1: 3 of 1,614,014 alleles (0.00019%); highest among the groups gnomAD compares: African/African-American, 0.0027%; no homozygotes.

Submissions (6):

Labcorp Genetics (formerly Invitae), Labcorp
Classification: Pathogenic. Last evaluated: 2026-01-07. Review status: criteria provided, single submitter. Criteria: Invitae Variant Classification Sherloc (09022015). Collection method: clinical testing. Allele origin: germline.
Comment: This sequence change replaces serine, which is neutral and polar, with glycine, which is neutral and non-polar, at codon 365 of the FH protein (p.Ser365Gly). This variant is not present in population databases (gnomAD no frequency). This missense change has been observed in individuals with hereditary leiomyomatosis and renal cell carcinoma (HLRCC) (PMID: 12772087, 22243733, 22565324; internal data). This variant is also known as A964G (S322G). ClinVar contains an entry for this variant (Variation ID: 214374). Invitae Evidence Modeling of protein sequence and biophysical properties (such as structural, functional, and spatial information, amino acid conservation, physicochemical variation, residue mobility, and thermodynamic stability) indicates that this missense variant is expected to disrupt FH protein function with a positive predictive value of 95%. For these reasons, this variant has been classified as Pathogenic.

GeneDx
Classification: Pathogenic. Last evaluated: 2024-04-09. Review status: criteria provided, single submitter. Criteria: GeneDx Variant Classification Process June 2021. Collection method: clinical testing. Allele origin: germline. Affected: yes.
Comment: In silico analysis supports that this missense variant has a deleterious effect on protein structure/function; Not observed at significant frequency in large population cohorts (gnomAD); This variant is associated with the following publications: (PMID: 18366737, 27784735, 16597677, 16237213, 15937070, 22565324, 22243733, 28300276, 12772087, 21445611)

Myriad Genetics, Inc.
Classification: Likely pathogenic for Hereditary leiomyomatosis and renal cell cancer. Last evaluated: 2024-01-17. Review status: criteria provided, single submitter. Criteria: Myriad Autosomal Dominant, Autosomal Recessive and X-Linked Classification Criteria (2023). Collection method: clinical testing. Allele origin: unknown.
Comment: This variant is considered likely pathogenic. This variant has been reported in multiple individuals with clinical features of gene-specific disease [PMID: 22565324, 12772087, 15937070, 28300276, 33789101]. This variant is expected to disrupt protein structure [Myriad internal data].

Ambry Genetics
Classification: Pathogenic for Hereditary cancer-predisposing syndrome. Last evaluated: 2023-11-30. Review status: criteria provided, single submitter. Criteria: Ambry Variant Classification Scheme 2023. Collection method: clinical testing. Allele origin: germline.
Comment: The p.S365G pathogenic mutation (also known as c.1093A>G), located in coding exon 7 of the FH gene, results from an A to G substitution at nucleotide position 1093. The serine at codon 365 is replaced by glycine, an amino acid with similar properties. This alteration (referred to as p.S322G) has been reported in multiple individuals diagnosed with hereditary leiomyomatosis and renal cell carcinoma (HLRCC) (Toro J et al. Am J Hum Genet. 2003 Jul;73(1):95-106; Wei M et al. J Med Genet. 2006 Jan;43(1):18-27). In addition, this variant is located within the gene active site, a region where mutations have been known to cluster and are predicted to affect the activity of the FH protein (Picaud S et al. J Inherit Metab Dis. 2011 Jun;34(3):671-6; Pithukpakorn M et al. J Med Genet. 2006 Sep;43(9):755-62). This amino acid position is highly conserved in available vertebrate species. In addition, this alteration is predicted to be deleterious by in silico analysis. Based on internal structural analysis, this variant disrupts a specific protein-ligand interaction involved with fumarate-binding and protein function (Ambry internal data; Pereira de P&aacute;dua RA et al. Acta Crystallogr F Struct Biol Commun. 2014 Jan;70:120-2; Mechaly AE et al. FEBS Lett. 2012 Jun;586:1606-11). Based on the supporting evidence, this alteration is interpreted as a disease-causing mutation.

Women's Health and Genetics/Laboratory Corporation of America, LabCorp
Classification: Pathogenic for Hereditary leiomyomatosis and renal cell cancer. Last evaluated: 2023-08-01. Review status: criteria provided, single submitter. Criteria: LabCorp Variant Classification Summary - May 2015. Collection method: clinical testing. Allele origin: germline.
Comment: Variant summary: FH c.1093A>G (p.Ser365Gly) results in a non-conservative amino acid change located in the Fumarate lyase, N-terminal domain (IPR022761) of the encoded protein sequence. Five of five in-silico tools predict a damaging effect of the variant on protein function. The variant was absent in 251080 control chromosomes (gnomAD). c.1093A>G has been reported in the literature in multiple individuals affected with Hereditary Leiomyomatosis And Renal Cell Cancer (examples: Toro_2003, Wei_2006, Mitchum_2012, Arora_2012, Muller_2017, Abou_2021). These data indicate that the variant is very likely to be associated with disease. The following publications have been ascertained in the context of this evaluation (PMID: 33789101, 22565324, 12772087, 15937070, 28300276, 22243733 ). Different variant affecting the same codon has been classified pathogenic in ClinVar (c.1094G>A /p.Ser365Asn, CV ID 429174 ). Four submitters have cited clinical-significance assessments for this variant to ClinVar after 2014. All submitters classified the variant as pathogenic. Based on the evidence outlined above, the variant was classified as pathogenic.

Genomic Diagnostic Laboratory, Division of Genomic Diagnostics, Children's Hospital of Philadelphia
Classification: Pathogenic for Hereditary leiomyomatosis and renal cell cancer. Last evaluated: 2017-01-17. Review status: criteria provided, single submitter. Criteria: DGD Variant Analysis Guidelines. Collection method: clinical testing. Allele origin: germline. Affected: yes. Observed: 5 variant alleles.
Comment: Clinical Testing

Literature cited by the submitters: PubMed 12772087 (cited by 4 submitters); PubMed 22243733 (cited by Labcorp Genetics (formerly Invitae), Labcorp and Women's Health and Genetics/Laboratory Corporation of America, LabCorp); PubMed 22565324 (cited by 3 submitters); PubMed 15937070 (cited by 3 submitters); PubMed 28300276 (cited by Myriad Genetics, Inc. and Women's Health and Genetics/Laboratory Corporation of America, LabCorp); PubMed 33789101 (cited by Myriad Genetics, Inc. and Women's Health and Genetics/Laboratory Corporation of America, LabCorp); PubMed 16029320 (cited by Ambry Genetics); PubMed 16597677 (cited by Ambry Genetics); PubMed 21445611 (cited by Ambry Genetics); PubMed 22561013 (cited by Ambry Genetics); PubMed 24419633 (cited by Ambry Genetics).